The following is an entry in ClinVar:

NM_001355436.2(SPTB):c.3886A>G (p.Thr1296Ala)

Gene: SPTB (spectrin beta, erythrocytic; minus strand). Cytogenetic location: 14q23.3.
Variant type: single nucleotide variant.
Coding change: c.3886A>G on transcript NM_001355436.2 (MANE Select); coding-DNA position 3886, A replaced by G.
Protein change: p.Thr1296Ala; replaces threonine 1296 with alanine.
Molecular consequence: missense variant.
Genome position (GRCh38, 1-based): chr14:64,784,363, T>C on the plus strand (A>G on the coding strand, the complement: SPTB is on the minus strand). VCF-style: chr14-64784363-T-C. GRCh37 (hg19) VCF-style: chr14-65251081-T-C.
Other names: c.3886A>G, p.Thr1296Ala (NM_001024858.4, NM_001355437.2); short protein forms T1296A.
Identifiers: ClinVar variation 4803312 (VCV004803312.1).

ClinVar aggregate classification (germline): Uncertain significance (1 of 4 stars; one submission).

Submission:

Labcorp Genetics (formerly Invitae), Labcorp
Classification: Uncertain significance. Last evaluated: 2025-10-21. Review status: criteria provided, single submitter. Criteria: Invitae Variant Classification Sherloc (09022015). Collection method: clinical testing. Allele origin: germline.
Comment: This sequence change replaces threonine, which is neutral and polar, with alanine, which is neutral and non-polar, at codon 1296 of the SPTB protein (p.Thr1296Ala). This variant is not present in population databases (gnomAD no frequency). This variant has not been reported in the literature in individuals affected with SPTB-related conditions. An algorithm developed to predict the effect of missense changes on protein structure and function (PolyPhen-2) suggests that this variant is likely to be tolerated. In summary, the available evidence is currently insufficient to determine the role of this variant in disease. Therefore, it has been classified as a Variant of Uncertain Significance.